The following is an entry in ClinVar:

ClinVar aggregate classification (germline): Uncertain significance (1 of 4 stars; one submission).

Conditions:
Dilated cardiomyopathy 1CC (CMD1CC). Identifiers: Orphanet 154, MedGen C2751084, MONDO:0013147, OMIM 613122.
Hypertrophic cardiomyopathy 20. Identifiers: MedGen C3151267, MONDO:0013477, OMIM 613876.

Submission:

Labcorp Genetics (formerly Invitae), Labcorp
Classification: Uncertain significance for Dilated cardiomyopathy 1CC; Hypertrophic cardiomyopathy 20. Last evaluated: 2020-10-10. Review status: criteria provided, single submitter. Criteria: Invitae Variant Classification Sherloc (09022015). Collection method: clinical testing. Allele origin: germline.
Comment: In summary, the available evidence is currently insufficient to determine the role of this variant in disease. Therefore, it has been classified as a Variant of Uncertain Significance. This variant has not been reported in the literature in individuals with NEXN-related disease. Algorithms developed to predict the effect of missense changes on protein structure and function output the following: SIFT: "Tolerated"; PolyPhen-2: "Benign"; Align-GVGD: "Class C0". The valine amino acid residue is found in multiple mammalian species, suggesting that this missense change does not adversely affect protein function. These predictions have not been confirmed by published functional studies and their clinical significance is uncertain. This variant is not present in population databases (ExAC no frequency). This sequence change replaces isoleucine with valine at codon 477 of the NEXN protein (p.Ile477Val). The isoleucine residue is moderately conserved and there is a small physicochemical difference between isoleucine and valine.

NM_144573.4(NEXN):c.1429A>G (p.Ile477Val)

Gene: NEXN (nexilin F-actin binding protein; plus strand). Cytogenetic location: 1p31.1.
Variant type: single nucleotide variant.
Coding change: c.1429A>G on transcript NM_144573.4 (MANE Select); coding-DNA position 1429, A replaced by G.
Protein change: p.Ile477Val; replaces isoleucine 477 with valine.
Molecular consequence: missense variant.
Genome position (GRCh38, 1-based): chr1:77,936,000, A>G. VCF-style: chr1-77936000-A-G. GRCh37 (hg19) VCF-style: chr1-78401685-A-G.
Other names: c.1237A>G, p.Ile413Val (NM_001172309.2); short protein forms I477V, I413V.
Identifiers: ClinVar variation 470678 (VCV000470678.8), dbSNP rs1553240667, ClinGen allele CA340879348.